The following is an entry in ClinVar:

NM_003998.4(NFKB1):c.376_377del (p.Val126fs)

Gene: NFKB1 (nuclear factor kappa B subunit 1; plus strand). Cytogenetic location: 4q24.
Variant type: Deletion.
Coding change: c.376_377del on transcript NM_003998.4 (MANE Select); coding-DNA positions 376 to 377, 2 bases deleted (GT; older notation c.376_377delGT).
Protein change: p.Val126fs; shifts the reading frame from valine 126.
Molecular consequence: frameshift variant.
Genome position (GRCh38, 1-based): chr4:102,567,104-102,567,105, GT deleted; deleting any 2 consecutive bases within chr4:102,567,103-102,567,105 gives the same sequence; the c. name uses the placement nearest the transcript's 3' end. VCF-style (leftmost placement, unchanged base first): chr4-102567102-CTG-C. GRCh37 (hg19) VCF-style: chr4-103488259-CTG-C.
Other names: c.373_374del, p.Val125fs (NM_001165412.2, NM_001319226.2, NM_001382627.1); c.376_377del, p.Val126fs (NM_001382625.1, NM_001382626.1); c.334_335del, p.Val112fs (NM_001382628.1); c.376_377del (NM_003998.3); short protein forms V126fs, V125fs, V112fs.
Identifiers: ClinVar variation 2028923 (VCV002028923.5), dbSNP rs2476351116, ClinGen allele CA2580071341.
Genomic context (GRCh38, chr4:102,567,102, plus strand): 5'-AAAATATCCACCTGCATGCCCACAGCCTGGTGGGAAAACACTGTGAGGATGGGATCTGCA[CTG>C]TAACTGCTGGACCCAAGGACATGGTGGTCGGGTAAGTAGGGGTATATGATGCTGTGGAAG-3'

ClinVar aggregate classification (germline): Pathogenic. Review status: criteria provided, multiple submitters, no conflicts (2 of 4 stars). 2 submissions from 2 submitters: Pathogenic (2). Last evaluated 2025-09-14.

Submissions (2):

Labcorp Genetics (formerly Invitae), Labcorp
Classification: Pathogenic. Last evaluated: 2025-09-14. Review status: criteria provided, single submitter. Criteria: Invitae Variant Classification Sherloc (09022015). Collection method: clinical testing. Allele origin: germline.
Comment: This sequence change creates a premature translational stop signal (p.Val126Asnfs*26) in the NFKB1 gene. It is expected to result in an absent or disrupted protein product. Loss-of-function variants in NFKB1 are known to be pathogenic (PMID: 26279205, 29477724). This variant is not present in population databases (gnomAD no frequency). This variant has not been reported in the literature in individuals affected with NFKB1-related conditions. ClinVar contains an entry for this variant (Variation ID: 2028923). For these reasons, this variant has been classified as Pathogenic.

GeneDx
Classification: Pathogenic. Last evaluated: 2024-07-15. Review status: criteria provided, single submitter. Criteria: GeneDx Variant Classification Process June 2021. Collection method: clinical testing. Allele origin: germline. Affected: yes.
Comment: Frameshift variant predicted to result in protein truncation or nonsense mediated decay in a gene for which loss of function is a known mechanism of disease; Not observed at significant frequency in large population cohorts (gnomAD); Has not been previously published as pathogenic or benign to our knowledge

Literature cited by the submitters: PubMed 26279205 (cited by Labcorp Genetics (formerly Invitae), Labcorp); PubMed 29477724 (cited by Labcorp Genetics (formerly Invitae), Labcorp).